The following is an entry in ClinVar:

ClinVar aggregate classification (germline): Uncertain significance (1 of 4 stars; one submission).

Allele frequency attached by ClinVar (database versions not stated): gnomAD exomes below 0.00001; gnomAD 0.00001; TOPMed 0.00001.
gnomAD v4.1: 3 of 1,593,826 alleles (0.00019%); highest among the groups gnomAD compares: African/African-American, 0.004%; no homozygotes.

Submission:

Labcorp Genetics (formerly Invitae), Labcorp
Classification: Uncertain significance. Last evaluated: 2023-10-13. Review status: criteria provided, single submitter. Criteria: Invitae Variant Classification Sherloc (09022015). Collection method: clinical testing. Allele origin: germline.
Comment: This sequence change replaces cysteine, which is neutral and slightly polar, with phenylalanine, which is neutral and non-polar, at codon 885 of the OBSL1 protein (p.Cys885Phe). This variant is not present in population databases (gnomAD no frequency). This variant has not been reported in the literature in individuals affected with OBSL1-related conditions. ClinVar contains an entry for this variant (Variation ID: 1472930). An algorithm developed to predict the effect of missense changes on protein structure and function (PolyPhen-2) suggests that this variant is likely to be tolerated. In summary, the available evidence is currently insufficient to determine the role of this variant in disease. Therefore, it has been classified as a Variant of Uncertain Significance.

NM_015311.3(OBSL1):c.2654G>T (p.Cys885Phe)

Gene: OBSL1 (obscurin like cytoskeletal adaptor 1; minus strand). Cytogenetic location: 2q35.
Variant type: single nucleotide variant.
Coding change: c.2654G>T on transcript NM_015311.3 (MANE Select); coding-DNA position 2654, G replaced by T.
Protein change: p.Cys885Phe; replaces cysteine 885 with phenylalanine.
Molecular consequence: missense variant.
Genome position (GRCh38, 1-based): chr2:219,563,381, C>A on the plus strand (G>T on the coding strand, the complement: OBSL1 is on the minus strand). VCF-style: chr2-219563381-C-A. GRCh37 (hg19) VCF-style: chr2-220428103-C-A.
Other names: c.2654G>T, p.Cys885Phe (NM_001173408.2, NM_001173431.2); short protein forms C885F.
Identifiers: ClinVar variation 1472930 (VCV001472930.6), dbSNP rs1318341422, ClinGen allele CA350746582.